The following is an entry in ClinVar:

NM_000297.4(PKD2):c.2218G>T (p.Glu740Ter)

Gene: PKD2 (polycystin 2, transient receptor potential cation channel; plus strand). Cytogenetic location: 4q22.1.
Variant type: single nucleotide variant.
Coding change: c.2218G>T on transcript NM_000297.4 (MANE Select); coding-DNA position 2218, G replaced by T.
Protein change: p.Glu740Ter; replaces glutamic acid 740 with a stop codon.
Molecular consequence: nonsense. On other transcripts: non-coding transcript variant (1).
Genome position (GRCh38, 1-based): chr4:88,065,473, G>T. VCF-style: chr4-88065473-G-T. GRCh37 (hg19) VCF-style: chr4-88986625-G-T.
Other names: short protein forms E740*.
Identifiers: ClinVar variation 997262 (VCV000997262.1), dbSNP rs770308463, ClinGen allele CA357624709.

ClinVar aggregate classification (germline): Pathogenic (0 of 4 stars; one submission).

Conditions:
Polycystic kidney disease. Also called: Polycystic kidney dysplasia; Kidney, Polycystic. Identifiers: MedGen C0022680, MeSH D007690, MONDO:0020642, HP:0000113.

Submission:

Department of Pathology and Laboratory Medicine, Sinai Health System
Classification: Pathogenic for Polycystic Kidney disease. Review status: no assertion criteria provided. Collection method: clinical testing. Allele origin: unknown. Affected: yes. Study: The Canadian Open Genetics Repository (COGR).
Comment: The PKD2 p.Glu740X variant was not identified in the literature nor was it identified in the following databases: dbSNP, ClinVar, LOVD 3.0, ADPKD Mutation Database, or PKD1-LOVD. The variant was not identified in the 1000 Genomes Project, the NHLBI GO Exome Sequencing Project or the Exome Aggregation Consortium (August 8th 2016) databases. The p.Glu740X variant leads to a premature stop codon at position 740, which is predicted to lead to a truncated or absent protein and loss of function. Loss of function variants of the PKD2 gene are an established mechanism of disease in PKD and is the type of variant expected to cause the disorder. In summary, based on the above information this variant is classified as pathogenic